The following is an entry in ClinVar:

ClinVar aggregate classification (germline): Uncertain significance. Review status: criteria provided, multiple submitters, no conflicts (2 of 4 stars). 2 submissions from 2 submitters: Uncertain significance (2). Last evaluated 2025-11-21.

Conditions:
Marfan syndrome (MFS). Also called: MARFAN SYNDROME, TYPE I; Marfan syndrome type 1; Marfan's syndrome; Marfan syndrome, classic; FBN1-Related Marfan Syndrome. Identifiers: Orphanet 284963, Orphanet 558, MedGen C0024796, MONDO:0007947, OMIM 154700.

Submissions (2):

Dasa
Classification: Uncertain significance. Last evaluated: 2025-11-21. Review status: criteria provided, single submitter. Criteria: DASA Assertion Criteria. Collection method: clinical testing. Allele origin: germline.
Comment: NM_000138.5(FBN1):c.3525A>G (p.Ile1175Met) is a missense variant that results in the substitution of isoleucine with methionine. This variant is absent from population databases. Computational prediction algorithms are consistent with a benign effect. The currently available literature and clinical evidence are not sufficient to establish a definitive association between this variant and the reported condition. Therefore, this variant is classified as a variant of uncertain significance.

All of Us Research Program, National Institutes of Health
Classification: Uncertain significance for Marfan syndrome. Last evaluated: 2023-06-26. Review status: criteria provided, single submitter. Criteria: ACMG Guidelines, 2015. Collection method: clinical testing. Allele origin: germline. Inheritance: Autosomal dominant inheritance. Observed: 1 variant allele, 1 heterozygote.
Comment: This missense variant replaces isoleucine with methionine at codon 1175 of the FBN1 protein. Computational prediction suggests that this variant may not impact protein structure and function (internally defined REVEL score threshold <= 0.5, PMID: 27666373). To our knowledge, functional studies have not been reported for this variant. This variant has not been reported in individuals affected with FBN1-related disorders in the literature. This variant has not been identified in the general population by the Genome Aggregation Database (gnomAD). The available evidence is insufficient to determine the role of this variant in disease conclusively. Therefore, this variant is classified as a Variant of Uncertain Significance.

This study involves interpretation of variants in research participants for the purpose of population health screening. Participant phenotype was not available at the time of variant classification. Additional details can be found in publication PMID: 35346344, PMCID: PMC8962531

NM_000138.5(FBN1):c.3525A>G (p.Ile1175Met)

Gene: FBN1 (fibrillin 1; minus strand). Cytogenetic location: 15q21.1.
Variant type: single nucleotide variant.
Coding change: c.3525A>G on transcript NM_000138.5 (MANE Select); coding-DNA position 3525, A replaced by G.
Protein change: p.Ile1175Met; replaces isoleucine 1175 with methionine.
Molecular consequence: missense variant.
Genome position (GRCh38, 1-based): chr15:48,487,139, T>C on the plus strand (A>G on the coding strand, the complement: FBN1 is on the minus strand). VCF-style: chr15-48487139-T-C. GRCh37 (hg19) VCF-style: chr15-48779336-T-C.
Other names: c.3525A>G, p.Ile1175Met (NM_001406716.1); short protein forms I1175M.
Identifiers: ClinVar variation 3071788 (VCV003071788.3), dbSNP rs2505549263, ClinGen allele CA392325126.